The following is an entry in ClinVar:

NM_017739.4(POMGNT1):c.*451C>T

Genes: POMGNT1 (protein O-linked mannose N-acetylglucosaminyltransferase 1 (beta 1,2-); minus strand), TSPAN1 (tetraspanin 1; plus strand). Cytogenetic location: 1p34.1.
Variant type: single nucleotide variant.
Coding change: c.*451C>T on transcript NM_017739.4 (MANE Select); 451 bases downstream of the stop codon, C replaced by T.
Molecular consequence: 3 prime UTR variant. On other transcripts: missense variant (2).
Genome position (GRCh38, 1-based): chr1:46,188,819, G>A on the plus strand (C>T on the coding strand, the complement: POMGNT1 is on the minus strand). VCF-style: chr1-46188819-G-A. GRCh37 (hg19) VCF-style: chr1-46654491-G-A.
Other names: c.2147C>T, p.Ala716Val (NM_001243766.2); c.*190C>T (NM_001290129.3, NM_001290130.2); c.2057C>T, p.Ala686Val (NM_001410783.1); short protein forms A716V, A686V.
Identifiers: ClinVar variation 297532 (VCV000297532.17), dbSNP rs148903585, ClinGen allele CA833137.

ClinVar aggregate classification (germline): Conflicting classifications of pathogenicity. Review status: criteria provided, conflicting classifications (1 of 4 stars). 5 submissions from 4 submitters: Uncertain significance (1); Likely benign (4). Last evaluated 2026-04-01.

Conditions:
Congenital Muscular Dystrophy, alpha-dystroglycan related.
Autosomal recessive limb-girdle muscular dystrophy type 2O. Also called: Limb-Girdle Muscular Dystrophy Type 3C; MUSCULAR DYSTROPHY-DYSTROGLYCANOPATHY (LIMB-GIRDLE), TYPE C, 3; MUSCULAR DYSTROPHY-DYSTROGLYCANOPATHY, LIMB-GIRDLE, POMGNT1-RELATED. Identifiers: Orphanet 206564, MedGen C3150417, MONDO:0013161, OMIM 613157.

Allele frequency attached by ClinVar (database versions not stated): ExAC 0.00100; ESP Exome Variant Server 0.00314; gnomAD 0.00346 and 0.00364; TOPMed 0.00377; 1000 Genomes Project 30x 0.00468; 1000 Genomes Project 0.00479.
gnomAD v4.1: 1,040 of 1,612,918 alleles (0.064%); highest among the groups gnomAD compares: African/African-American, 1.1%; 7 homozygotes.

Submissions (5):

CeGaT Center for Human Genetics Tuebingen
Classification: Likely benign. Last evaluated: 2026-04-01. Review status: criteria provided, single submitter. Criteria: CeGaT Center For Human Genetics Tuebingen Variant Classification Criteria Version 2. Collection method: clinical testing. Allele origin: germline. Affected: yes. Observed: 3 variant alleles.
Comment: POMGNT1: BP4, BS1

Blueprint Genetics
Classification: Likely benign. Last evaluated: 2024-11-01. Review status: criteria provided, single submitter. Criteria: ACMG Guidelines, 2015. Collection method: clinical testing. Allele origin: germline.

GeneDx
Classification: Likely benign. Last evaluated: 2021-10-18. Review status: criteria provided, single submitter. Criteria: GeneDx Variant Classification Process June 2021. Collection method: clinical testing. Allele origin: germline. Affected: yes.
Comment: See Variant Classification Assertion Criteria.

Illumina Laboratory Services, Illumina
Classification: Uncertain significance for Autosomal recessive limb-girdle muscular dystrophy type 2O. Last evaluated: 2018-01-13. Review status: criteria provided, single submitter. Criteria: ICSL Variant Classification Criteria 13 December 2019. Collection method: clinical testing. Allele origin: germline.

Illumina Laboratory Services, Illumina
Classification: Likely benign for Congenital Muscular Dystrophy, alpha-dystroglycan related. Last evaluated: 2018-01-13. Review status: criteria provided, single submitter. Criteria: ICSL Variant Classification Criteria 13 December 2019. Collection method: clinical testing. Allele origin: germline.
Comment: This variant was observed in the ICSL laboratory as part of a predisposition screen in an ostensibly healthy population. It had not been previously curated by ICSL or reported in the Human Gene Mutation Database (HGMD: prior to June 1st, 2018), and was therefore a candidate for classification through an automated scoring system. Utilizing variant allele frequency, disease prevalence and penetrance estimates, and inheritance mode, an automated score was calculated to assess if this variant is too frequent to cause the disease. Based on the score and internal cut-off values, a variant classified as likely benign is not then subjected to further curation. The score for this variant resulted in a classification of likely benign for this disease.